The following is an entry in ClinVar:

NM_001378454.1(ALMS1):c.688A>G (p.Thr230Ala)

Gene: ALMS1 (ALMS1 centrosome and basal body associated protein; plus strand). Cytogenetic location: 2p13.1.
Variant type: single nucleotide variant.
Coding change: c.688A>G on transcript NM_001378454.1 (MANE Select); coding-DNA position 688, A replaced by G.
Protein change: p.Thr230Ala; replaces threonine 230 with alanine.
Molecular consequence: missense variant.
Genome position (GRCh38, 1-based): chr2:73,422,898, A>G. VCF-style: chr2-73422898-A-G. GRCh37 (hg19) VCF-style: chr2-73650026-A-G.
Other names: c.691A>G, p.Thr231Ala (NM_015120.4); short protein forms T231A, T230A.
Identifiers: ClinVar variation 1390221 (VCV001390221.5), dbSNP rs2103710477, ClinGen allele CA347260055.
Genomic context (GRCh38, chr2:73,422,898, plus strand): 5'-AATATTTGAAACTTTACAGTCATACAAGATAGCTTTGCTTCTCCTGATTTGCCTTTGCTG[A>G]CCTGTTTGACACAAGACCAAGAATTTGCGCCTGATTCTTTATTTCATCAAAGTGAACTAA-3'
Protein context (NP_001365383.1, residues 220-240): SFASPDLPLL[Thr230Ala]CLTQDQEFAP

ClinVar aggregate classification (germline): Uncertain significance. Review status: criteria provided, multiple submitters, no conflicts (2 of 4 stars). 2 submissions from 2 submitters: Uncertain significance (2). Last evaluated 2022-11-15.

Conditions:
Alstrom syndrome (ALMS). Identifiers: Orphanet 64, MedGen C0268425, MONDO:0008763, OMIM 203800.

Submissions (2):

Labcorp Genetics (formerly Invitae), Labcorp
Classification: Uncertain significance for Alstrom syndrome. Last evaluated: 2022-11-15. Review status: criteria provided, single submitter. Criteria: Invitae Variant Classification Sherloc (09022015). Collection method: clinical testing. Allele origin: germline.
Comment: This variant is not present in population databases (gnomAD no frequency). In summary, the available evidence is currently insufficient to determine the role of this variant in disease. Therefore, it has been classified as a Variant of Uncertain Significance. Experimental studies and prediction algorithms are not available or were not evaluated, and the functional significance of this variant is currently unknown. ClinVar contains an entry for this variant (Variation ID: 1390221). This variant has not been reported in the literature in individuals affected with ALMS1-related conditions. This sequence change replaces threonine, which is neutral and polar, with alanine, which is neutral and non-polar, at codon 231 of the ALMS1 protein (p.Thr231Ala).

Fulgent Genetics
Classification: Uncertain significance for Alstrom syndrome. Last evaluated: 2021-11-30. Review status: criteria provided, single submitter. Criteria: ACMG Guidelines, 2015. Collection method: clinical testing. Allele origin: unknown.